The following is an entry in ClinVar:

NM_000891.3(KCNJ2):c.819A>G (p.Ile273Met)

Gene: KCNJ2 (potassium inwardly rectifying channel subfamily J member 2; plus strand). Cytogenetic location: 17q24.3.
Variant type: single nucleotide variant.
Coding change: c.819A>G on transcript NM_000891.3 (MANE Select); coding-DNA position 819, A replaced by G.
Protein change: p.Ile273Met; replaces isoleucine 273 with methionine.
Molecular consequence: missense variant.
Genome position (GRCh38, 1-based): chr17:70,175,858, A>G. VCF-style: chr17-70175858-A-G. GRCh37 (hg19) VCF-style: chr17-68171999-A-G.
Other names: short protein forms I273M.
Identifiers: ClinVar variation 2452378 (VCV002452378.2), dbSNP rs2074389502, ClinGen allele CA400862213.

ClinVar aggregate classification (germline): Uncertain significance (1 of 4 stars; one submission).

Conditions:
Cardiovascular phenotype. Identifiers: MedGen CN230736.

Allele frequency attached by ClinVar (database versions not stated): TOPMed below 0.00001; gnomAD 0.00001.

Submission:

Ambry Genetics
Classification: Uncertain significance for Cardiovascular phenotype. Last evaluated: 2023-02-24. Review status: criteria provided, single submitter. Criteria: Ambry Variant Classification Scheme 2023. Collection method: clinical testing. Allele origin: germline.
Comment: The p.I273M variant (also known as c.819A>G), located in coding exon 1 of the KCNJ2 gene, results from an A to G substitution at nucleotide position 819. The isoleucine at codon 273 is replaced by methionine, an amino acid with highly similar properties. This amino acid position is highly conserved in available vertebrate species. In addition, this alteration is predicted to be deleterious by in silico analysis. Since supporting evidence is limited at this time, the clinical significance of this alteration remains unclear.